The following is an entry in ClinVar:

ClinVar aggregate classification (germline): Uncertain significance. Review status: criteria provided, multiple submitters, no conflicts (2 of 4 stars). 3 submissions from 3 submitters: Uncertain significance (3). Last evaluated 2025-08-14.

Conditions:
Cardiovascular phenotype. Identifiers: MedGen CN230736.
Dilated cardiomyopathy 1CC (CMD1CC). Identifiers: Orphanet 154, MedGen C2751084, MONDO:0013147, OMIM 613122.
Hypertrophic cardiomyopathy 20. Identifiers: MedGen C3151267, MONDO:0013477, OMIM 613876.

Allele frequency attached by ClinVar (database versions not stated): ExAC 0.00001; gnomAD 0.00003; TOPMed 0.00005; 1000 Genomes Project 30x 0.00016; 1000 Genomes Project 0.00020.
gnomAD v4.1: 18 of 1,613,922 alleles (0.0011%); highest among the groups gnomAD compares: Admixed American, 0.013%; no homozygotes.

Submissions (3):

GeneDx
Classification: Uncertain significance. Last evaluated: 2025-08-14. Review status: criteria provided, single submitter. Criteria: GeneDx Variant Classification Process June 2021. Collection method: clinical testing. Allele origin: germline. Affected: yes.
Comment: Identified in patients with DCM referred for genetic testing at GeneDx and in published literature (PMID: 31983221); Not observed at significant frequency in large population cohorts (gnomAD); In silico analysis supports that this missense variant has a deleterious effect on protein structure/function; This variant is associated with the following publications: (PMID: 31983221)

Labcorp Genetics (formerly Invitae), Labcorp
Classification: Uncertain significance for Dilated cardiomyopathy 1CC; Hypertrophic cardiomyopathy 20. Last evaluated: 2022-07-12. Review status: criteria provided, single submitter. Criteria: Invitae Variant Classification Sherloc (09022015). Collection method: clinical testing. Allele origin: germline.
Comment: This sequence change replaces tyrosine, which is neutral and polar, with cysteine, which is neutral and slightly polar, at codon 305 of the NEXN protein (p.Tyr305Cys). This variant is present in population databases (rs541547470, gnomAD 0.003%). This missense change has been observed in individual(s) with dilated cardiomyopathy (PMID: 31983221). ClinVar contains an entry for this variant (Variation ID: 1349254). Algorithms developed to predict the effect of missense changes on protein structure and function are either unavailable or do not agree on the potential impact of this missense change (SIFT: "Deleterious"; PolyPhen-2: "Benign"; Align-GVGD: "Class C0"). In summary, the available evidence is currently insufficient to determine the role of this variant in disease. Therefore, it has been classified as a Variant of Uncertain Significance.

Ambry Genetics
Classification: Uncertain significance for Cardiovascular phenotype. Last evaluated: 2021-01-07. Review status: criteria provided, single submitter. Criteria: Ambry Variant Classification Scheme 2023. Collection method: clinical testing. Allele origin: germline.
Comment: The p.Y305C variant (also known as c.914A>G), located in coding exon 8 of the NEXN gene, results from an A to G substitution at nucleotide position 914. The tyrosine at codon 305 is replaced by cysteine, an amino acid with highly dissimilar properties. This variant was detected in one individual from a dilated cardiomyopathy cohort; however, clinical details were limited (Mazzarotto F et al. Circulation, 2020 02;141:387-398). This amino acid position is well conserved in available vertebrate species. In addition, this alteration is predicted to be tolerated by in silico analysis. Since supporting evidence is limited at this time, the clinical significance of this alteration remains unclear.

Literature cited by the submitters: PubMed 31983221 (cited by Labcorp Genetics (formerly Invitae), Labcorp and Ambry Genetics).

NM_144573.4(NEXN):c.914A>G (p.Tyr305Cys)

Gene: NEXN (nexilin F-actin binding protein; plus strand). Cytogenetic location: 1p31.1.
Variant type: single nucleotide variant.
Coding change: c.914A>G on transcript NM_144573.4 (MANE Select); coding-DNA position 914, A replaced by G.
Protein change: p.Tyr305Cys; replaces tyrosine 305 with cysteine.
Molecular consequence: missense variant.
Genome position (GRCh38, 1-based): chr1:77,929,365, A>G. VCF-style: chr1-77929365-A-G. GRCh37 (hg19) VCF-style: chr1-78395050-A-G.
Other names: c.722A>G, p.Tyr241Cys (NM_001172309.2); short protein forms Y241C, Y305C.
Identifiers: ClinVar variation 1349254 (VCV001349254.10), dbSNP rs541547470, ClinGen allele CA918778.